The following is an entry in ClinVar:

NM_002519.3(NPAT):c.4062T>G (p.Asp1354Glu)

Gene: NPAT (nuclear protein, coactivator of histone transcription; minus strand). Cytogenetic location: 11q22.3.
Variant type: single nucleotide variant.
Coding change: c.4062T>G on transcript NM_002519.3 (MANE Select); coding-DNA position 4062, T replaced by G.
Protein change: p.Asp1354Glu; replaces aspartic acid 1354 with glutamic acid.
Molecular consequence: missense variant.
Genome position (GRCh38, 1-based): chr11:108,161,024, A>C on the plus strand (T>G on the coding strand, the complement: NPAT is on the minus strand). VCF-style: chr11-108161024-A-C. GRCh37 (hg19) VCF-style: chr11-108031751-A-C.
Other names: c.4083T>G, p.Asp1361Glu (NM_001321307.1); short protein forms D1354E, D1361E.
Identifiers: ClinVar variation 1737488 (VCV001737488.2), dbSNP rs2496693434, ClinGen allele CA382509456.

ClinVar aggregate classification (germline): Uncertain significance (1 of 4 stars; one submission).

Allele frequency attached by ClinVar (database versions not stated): gnomAD exomes below 0.00001.

Submission:

Ambry Genetics
Classification: Uncertain significance. Last evaluated: 2021-11-17. Review status: criteria provided, single submitter. Criteria: Ambry Variant Classification Scheme 2023. Collection method: clinical testing. Allele origin: germline.
Comment: The p.D1354E variant (also known as c.4062T>G), located in coding exon 17 of the NPAT gene, results from a T to G substitution at nucleotide position 4062. The aspartic acid at codon 1354 is replaced by glutamic acid, an amino acid with highly similar properties. This amino acid position is conserved. In addition, this alteration is predicted to be tolerated by in silico analysis. Since supporting evidence is limited at this time, the clinical significance of this alteration remains unclear.